The following is an entry in ClinVar:

NM_031935.3(HMCN1):c.5236G>C (p.Val1746Leu)

Gene: HMCN1 (hemicentin 1; plus strand). Cytogenetic location: 1q31.1.
Variant type: single nucleotide variant.
Coding change: c.5236G>C on transcript NM_031935.3 (MANE Select); coding-DNA position 5236, G replaced by C.
Protein change: p.Val1746Leu; replaces valine 1746 with leucine.
Molecular consequence: missense variant.
Genome position (GRCh38, 1-based): chr1:186,017,007, G>C. VCF-style: chr1-186017007-G-C. GRCh37 (hg19) VCF-style: chr1-185986139-G-C.
Other names: short protein forms V1746L.
Identifiers: ClinVar variation 1948762 (VCV001948762.5), dbSNP rs2527533965, ClinGen allele CA343889713.

ClinVar aggregate classification (germline): Uncertain significance (1 of 4 stars; one submission).

gnomAD v4.1: 1 of 1,609,944 alleles (0.000062%); highest among the groups gnomAD compares: Non-Finnish European, 0.000085%; no homozygotes.

Submission:

Labcorp Genetics (formerly Invitae), Labcorp
Classification: Uncertain significance. Last evaluated: 2021-12-21. Review status: criteria provided, single submitter. Criteria: Invitae Variant Classification Sherloc (09022015). Collection method: clinical testing. Allele origin: germline.
Comment: This sequence change replaces valine, which is neutral and non-polar, with leucine, which is neutral and non-polar, at codon 1746 of the HMCN1 protein (p.Val1746Leu). This variant is not present in population databases (gnomAD no frequency). This variant has not been reported in the literature in individuals affected with HMCN1-related conditions. Algorithms developed to predict the effect of missense changes on protein structure and function are either unavailable or do not agree on the potential impact of this missense change (SIFT: "Deleterious"; PolyPhen-2: "Possibly Damaging"; Align-GVGD: "Class C0"). In summary, the available evidence is currently insufficient to determine the role of this variant in disease. Therefore, it has been classified as a Variant of Uncertain Significance.